The following is an entry in ClinVar:

NM_002087.4(GRN):c.278G>A (p.Gly93Glu)

Gene: GRN (granulin precursor; plus strand). Cytogenetic location: 17q21.31.
Variant type: single nucleotide variant.
Coding change: c.278G>A on transcript NM_002087.4 (MANE Select); coding-DNA position 278, G replaced by A.
Protein change: p.Gly93Glu; replaces glycine 93 with glutamic acid.
Molecular consequence: missense variant.
Genome position (GRCh38, 1-based): chr17:44,349,680, G>A. VCF-style: chr17-44349680-G-A. GRCh37 (hg19) VCF-style: chr17-42427048-G-A.
Other names: short protein forms G93E.
Identifiers: ClinVar variation 1956720 (VCV001956720.5), dbSNP rs2510054703, ClinGen allele CA399760344.

ClinVar aggregate classification (germline): Uncertain significance (1 of 4 stars; one submission).

Conditions:
Neuronal ceroid lipofuscinosis 11. Also called: GRN-Related Neuronal Ceroid-Lipofuscinosis. Identifiers: Orphanet 314629, Orphanet 79262, MedGen C3539123, MONDO:0013866, OMIM 614706.
GRN-related frontotemporal lobar degeneration with Tdp43 inclusions (FTD2). Also called: GRN Frontotemporal Dementia; FRONTOTEMPORAL DEMENTIA WITH TDP43 INCLUSIONS, GRN-RELATED; DEMENTIA, HEREDITARY DYSPHASIC DISINHIBITION; FRONTOTEMPORAL LOBAR DEGENERATION WITH UBIQUITIN-POSITIVE INCLUSIONS; FTLD-TDP, GRN-RELATED. Identifiers: Orphanet 100070, Orphanet 282, MedGen C1843792, MONDO:0011842, OMIM 607485. Disease mechanism: loss of function.

Allele frequency attached by ClinVar (database versions not stated): gnomAD exomes below 0.00001.

Submission:

Labcorp Genetics (formerly Invitae), Labcorp
Classification: Uncertain significance for Neuronal ceroid lipofuscinosis 11; GRN-related frontotemporal lobar degeneration with Tdp43 inclusions. Last evaluated: 2022-08-22. Review status: criteria provided, single submitter. Criteria: Invitae Variant Classification Sherloc (09022015). Collection method: clinical testing. Allele origin: germline.
Comment: In summary, the available evidence is currently insufficient to determine the role of this variant in disease. Therefore, it has been classified as a Variant of Uncertain Significance. Algorithms developed to predict the effect of missense changes on protein structure and function are either unavailable or do not agree on the potential impact of this missense change (SIFT: "Tolerated"; PolyPhen-2: "Possibly Damaging"; Align-GVGD: "Class C0"). This variant has not been reported in the literature in individuals affected with GRN-related conditions. This variant is not present in population databases (gnomAD no frequency). This sequence change replaces glycine, which is neutral and non-polar, with glutamic acid, which is acidic and polar, at codon 93 of the GRN protein (p.Gly93Glu).